The following is an entry in ClinVar:

NM_001114753.3(ENG):c.290T>G (p.Leu97Arg)

Gene: ENG (endoglin; minus strand). Cytogenetic location: 9q34.11.
Variant type: single nucleotide variant.
Coding change: c.290T>G on transcript NM_001114753.3 (MANE Select); coding-DNA position 290, T replaced by G.
Protein change: p.Leu97Arg; replaces leucine 97 with arginine.
Molecular consequence: missense variant. On other transcripts: 5 prime UTR variant (1).
Genome position (GRCh38, 1-based): chr9:127,829,757, A>C on the plus strand (T>G on the coding strand, the complement: ENG is on the minus strand). VCF-style: chr9-127829757-A-C. GRCh37 (hg19) VCF-style: chr9-130592036-A-C.
Other names: c.290T>G, p.Leu97Arg (NM_000118.4, NM_001406715.1); c.-257T>G (NM_001278138.2); short protein forms L97R.
Identifiers: ClinVar variation 1066708 (VCV001066708.8), dbSNP rs2131895129, ClinGen allele CA374986088.

ClinVar aggregate classification (germline): Pathogenic (1 of 4 stars; one submission).

Conditions:
Hereditary hemorrhagic telangiectasia (HHT). Also called: Osler hemorrhagic telangiectasia syndrome; ORW DISEASE; Osler Weber Rendu syndrome; OSLER-RENDU-WEBER DISEASE. Identifiers: Orphanet 774, MedGen C0039445, MONDO:0019180. Disease mechanism: loss of function.

Submission:

Labcorp Genetics (formerly Invitae), Labcorp
Classification: Pathogenic for Hereditary hemorrhagic telangiectasia. Last evaluated: 2024-01-16. Review status: criteria provided, single submitter. Criteria: Invitae Variant Classification Sherloc (09022015). Collection method: clinical testing. Allele origin: germline.
Comment: This sequence change replaces leucine, which is neutral and non-polar, with arginine, which is basic and polar, at codon 97 of the ENG protein (p.Leu97Arg). This variant is not present in population databases (gnomAD no frequency). This missense change has been observed in individual(s) with hereditary hemorrhagic telangiectasia (PMID: 21158752; Invitae). It has also been observed to segregate with disease in related individuals. ClinVar contains an entry for this variant (Variation ID: 1066708). Advanced modeling of protein sequence and biophysical properties (such as structural, functional, and spatial information, amino acid conservation, physicochemical variation, residue mobility, and thermodynamic stability) performed at Invitae indicates that this missense variant is expected to disrupt ENG protein function with a positive predictive value of 95%. For these reasons, this variant has been classified as Pathogenic.

Literature cited by the submitters: PubMed 21158752.